The following is an entry in ClinVar:

NM_030973.4(MED25):c.440A>G (p.Asn147Ser)

Gene: MED25 (mediator complex subunit 25; plus strand). Cytogenetic location: 19q13.33.
Variant type: single nucleotide variant.
Coding change: c.440A>G on transcript NM_030973.4 (MANE Select); coding-DNA position 440, A replaced by G.
Protein change: p.Asn147Ser; replaces asparagine 147 with serine.
Molecular consequence: missense variant.
Genome position (GRCh38, 1-based): chr19:49,829,005, A>G. VCF-style: chr19-49829005-A-G. GRCh37 (hg19) VCF-style: chr19-50332262-A-G.
Other names: c.440A>G, p.Asn147Ser (NM_001378355.1); short protein forms N147S.
Identifiers: ClinVar variation 2076884 (VCV002076884.4), dbSNP rs575908777, ClinGen allele CA9584865.

ClinVar aggregate classification (germline): Uncertain significance (1 of 4 stars; one submission).

Conditions:
Charcot-Marie-Tooth disease type 2. Also called: Charcot-Marie-Tooth type 2. Identifiers: Orphanet 64746, MedGen C0270914, MONDO:0018993.

Allele frequency attached by ClinVar (database versions not stated): gnomAD 0.00002; 1000 Genomes Project 30x 0.00016; 1000 Genomes Project 0.00020.

Submission:

Labcorp Genetics (formerly Invitae), Labcorp
Classification: Uncertain significance for Charcot-Marie-Tooth disease type 2. Last evaluated: 2022-05-28. Review status: criteria provided, single submitter. Criteria: Invitae Variant Classification Sherloc (09022015). Collection method: clinical testing. Allele origin: germline.
Comment: This sequence change replaces asparagine, which is neutral and polar, with serine, which is neutral and polar, at codon 147 of the MED25 protein (p.Asn147Ser). This variant is present in population databases (rs575908777, gnomAD 0.01%). This variant has not been reported in the literature in individuals affected with MED25-related conditions. Algorithms developed to predict the effect of missense changes on protein structure and function are either unavailable or do not agree on the potential impact of this missense change (SIFT: "Tolerated"; PolyPhen-2: "Probably Damaging"; Align-GVGD: "Class C0"). In summary, the available evidence is currently insufficient to determine the role of this variant in disease. Therefore, it has been classified as a Variant of Uncertain Significance.